The following is an entry in ClinVar:

ClinVar aggregate classification (germline): Uncertain significance (1 of 4 stars; one submission).

Conditions:
Hereditary cancer-predisposing syndrome. Also called: Neoplastic Syndromes, Hereditary; Tumor predisposition; Hereditary Cancer Syndrome; Hereditary neoplastic syndrome. Identifiers: Orphanet 140162, MedGen C0027672, MeSH D009386, MONDO:0015356.

Submission:

Ambry Genetics
Classification: Uncertain significance for Hereditary cancer-predisposing syndrome. Last evaluated: 2025-11-03. Review status: criteria provided, single submitter. Criteria: Ambry Variant Classification Scheme 2023. Collection method: clinical testing. Allele origin: germline.
Comment: The p.A653V variant (also known as c.1958C>T), located in coding exon 17 of the EGFR gene, results from a C to T substitution at nucleotide position 1958. The alanine at codon 653 is replaced by valine, an amino acid with similar properties. This amino acid position is conserved. In addition, this alteration is predicted to be tolerated by in silico analysis. Based on the available evidence, the clinical significance of this variant remains unclear.

NM_005228.5(EGFR):c.1958C>T (p.Ala653Val)

Gene: EGFR (epidermal growth factor receptor; plus strand). Cytogenetic location: 7p11.2.
Variant type: single nucleotide variant.
Coding change: c.1958C>T on transcript NM_005228.5 (MANE Select); coding-DNA position 1958, C replaced by T.
Protein change: p.Ala653Val; replaces alanine 653 with valine.
Molecular consequence: missense variant.
Genome position (GRCh38, 1-based): chr7:55,173,021, C>T. VCF-style: chr7-55173021-C-T. GRCh37 (hg19) VCF-style: chr7-55240714-C-T.
Other names: c.1823C>T, p.Ala608Val (NM_001346897.2, NM_001346899.2); c.1958C>T, p.Ala653Val (NM_001346898.2); c.1799C>T, p.Ala600Val (NM_001346900.2); c.1157C>T, p.Ala386Val (NM_001346941.2); short protein forms A653V, A600V, A386V, A608V.
Identifiers: ClinVar variation 4639375 (VCV004639375.1).